The following is an entry in ClinVar:

ClinVar aggregate classification (germline): Likely pathogenic (1 of 4 stars; one submission).

Conditions:
Dilated cardiomyopathy 1G (CMD1G). Identifiers: Orphanet 154, MedGen C1858763, MONDO:0011400, OMIM 604145.
Autosomal recessive limb-girdle muscular dystrophy type 2J (LGMDR10). Also called: Limb-girdle muscular dystrophy, type 2J; MUSCULAR DYSTROPHY, LIMB-GIRDLE, AUTOSOMAL RECESSIVE 10. Identifiers: Orphanet 140922, MedGen C1837342, MONDO:0012127, OMIM 608807.

Submission:

Labcorp Genetics (formerly Invitae), Labcorp
Classification: Likely pathogenic for Dilated cardiomyopathy 1G; Autosomal recessive limb-girdle muscular dystrophy type 2J. Last evaluated: 2024-10-18. Review status: criteria provided, single submitter. Criteria: Invitae Variant Classification Sherloc (09022015). Collection method: clinical testing. Allele origin: germline.
Comment: This sequence change creates a premature translational stop signal (p.Tyr6455*) in the TTN gene. While this is not anticipated to result in nonsense mediated decay, it is expected to create a truncated TTN protein. This variant is not present in population databases (gnomAD no frequency). This variant has not been reported in the literature in individuals affected with TTN-related conditions. ClinVar contains an entry for this variant (Variation ID: 2085204). Algorithms developed to predict the effect of sequence changes on RNA splicing suggest that this variant may disrupt the consensus splice site. This variant is located in the I band of TTN (PMID: 25589632). Truncating variants in this region have been reported in individuals affected with autosomal recessive centronuclear myopathy (PMID: 23975875, internal data). Truncating variants in this region have also been identified in individuals affected with autosomal dominant dilated cardiomyopathy and/or cardio-related conditions (PMID: 27869827, 32964742, internal data). In summary, the currently available evidence indicates that the variant is pathogenic, but additional data are needed to prove that conclusively. Therefore, this variant has been classified as Likely Pathogenic.

Literature cited by the submitters: PubMed 25589632; PubMed 23975875; PubMed 27869827; PubMed 32964742.

NM_001267550.2(TTN):c.19365del (p.Gln6454_Tyr6455insTer)

Gene: TTN (titin; minus strand). Cytogenetic location: 2q31.2.
Variant type: Deletion.
Coding change: c.19365del on transcript NM_001267550.2 (MANE Select); coding-DNA position 19365, one base deleted (C; older notation c.19365delC).
Protein change: p.Gln6454_Tyr6455insTer.
Molecular consequence: nonsense. On other transcripts: intron variant (3).
Genome position (GRCh38, 1-based): chr2:178,728,561, G deleted on the plus strand (C on the coding strand, the reverse complement: TTN is on the minus strand). VCF-style (leftmost placement, unchanged base first): chr2-178728560-TG-T. GRCh37 (hg19) VCF-style: chr2-179593287-TG-T.
Other names: c.18414del, p.Gln6137_Tyr6138insTer (NM_001256850.1); c.15633del, p.Gln5210_Tyr5211insTer (NM_133378.4); c.13282+9521del (NM_003319.4); c.13858+9521del (NM_133437.4); c.13657+9521del (NM_133432.3).
Identifiers: ClinVar variation 2085204 (VCV002085204.4), dbSNP rs2529866288, ClinGen allele CA2580065103.
Genomic context (GRCh38, chr2:178,728,560, plus strand): 5'-CTAGCACTCTTAAGTAGGCATCACAGCTACTGCTTCCGAAGTCATTTTCCACCTTGAAAG[TG>T]TACTGACCGCTGTCCTGCTTCATTACTGACTGAATTCTAAAACTGGCCACGTTATTTTCA-3'